The following is an entry in ClinVar:

NM_020458.4(TTC7A):c.316_317delinsG (p.Leu106fs)

Gene: TTC7A (tetratricopeptide repeat domain 7A; plus strand). Cytogenetic location: 2p21.
Variant type: Indel.
Coding change: c.316_317delinsG on transcript NM_020458.4 (MANE Select); coding-DNA positions 316 to 317, CT replaced by G.
Protein change: p.Leu106fs; shifts the reading frame from leucine 106.
Molecular consequence: frameshift variant. On other transcripts: 5 prime UTR variant (1).
Genome position (GRCh38, 1-based): chr2:46,950,494-46,950,495, CT replaced by G. VCF-style: chr2-46950494-CT-G. GRCh37 (hg19) VCF-style: chr2-47177633-CT-G.
Other names: c.316_317delinsG, p.Leu106fs (NM_001288951.2); c.214_215delinsG, p.Leu72fs (NM_001288953.2); c.-589_-588delinsG (NM_001288955.2); short protein forms L106fs, L72fs.
Identifiers: ClinVar variation 2633204 (VCV002633204.1), dbSNP rs2466215282, ClinGen allele CA2695200667.
Genomic context (GRCh38, chr2:46,950,494, plus strand): 5'-AAAGACTCCATGCCTTTGCTGGAGAAGAATGAGCCGAAGATGAGCGAAGCCAAAAATTAT[CT>G]AAGCAGTATCCTTAACCATGGGAGGCTCTCGGTAAGTCGTCAGCCTTCAAGCCTGAGACC-3'

ClinVar aggregate classification (germline): Likely pathogenic (1 of 4 stars; one submission).

Conditions:
TTC7A-related disorder. Also called: TTC7A-related condition.

Submission:

PreventionGenetics, part of Exact Sciences
Classification: Likely pathogenic for TTC7A-related condition. Last evaluated: 2023-04-17. Review status: criteria provided, single submitter. Criteria: ACMG Guidelines, 2015. Collection method: clinical testing. Allele origin: germline.
Comment: The TTC7A c.316_317delinsG variant is predicted to result in a frameshift and premature protein termination (p.Leu106Glufs*20). To our knowledge, this variant has not been reported in the literature or in a large population database, indicating this variant is rare. Frameshift variants in TTC7A are expected to be pathogenic. This variant is interpreted as likely pathogenic.